The following is an entry in ClinVar:

NM_001374259.2(IL12RB2):c.368C>T (p.Ala123Val)

Gene: IL12RB2 (interleukin 12 receptor subunit beta 2; plus strand). Cytogenetic location: 1p31.3.
Variant type: single nucleotide variant.
Coding change: c.368C>T on transcript NM_001374259.2 (MANE Select); coding-DNA position 368, C replaced by T.
Protein change: p.Ala123Val; replaces alanine 123 with valine.
Molecular consequence: missense variant. On other transcripts: non-coding transcript variant (2).
Genome position (GRCh38, 1-based): chr1:67,326,738, C>T. VCF-style: chr1-67326738-C-T. GRCh37 (hg19) VCF-style: chr1-67792421-C-T.
Other names: c.368C>T (NM_001559.2); c.368C>T, p.Ala123Val (NM_001258214.1, NM_001258215.1, NM_001258216.1 and 2 more transcripts); short protein forms A123V.
Identifiers: ClinVar variation 1349475 (VCV001349475.7), dbSNP rs758668666, ClinGen allele CA900175.

ClinVar aggregate classification (germline): Conflicting classifications of pathogenicity. Review status: criteria provided, conflicting classifications (1 of 4 stars). 2 submissions from 2 submitters: Uncertain significance (1); Likely benign (1). Last evaluated 2025-10-24.

Allele frequency attached by ClinVar (database versions not stated): ExAC 0.00001; gnomAD exomes 0.00001; TOPMed 0.00001.
gnomAD v4.1: 3 of 1,612,656 alleles (0.00019%); highest among the groups gnomAD compares: Admixed American, 0.005%; no homozygotes.

Submissions (2):

Ambry Genetics
Classification: Likely benign. Last evaluated: 2025-10-24. Review status: criteria provided, single submitter. Criteria: Ambry Variant Classification Scheme 2023. Collection method: clinical testing. Allele origin: germline.

Labcorp Genetics (formerly Invitae), Labcorp
Classification: Uncertain significance. Last evaluated: 2024-12-02. Review status: criteria provided, single submitter. Criteria: Invitae Variant Classification Sherloc (09022015). Collection method: clinical testing. Allele origin: germline.
Comment: This sequence change replaces alanine, which is neutral and non-polar, with valine, which is neutral and non-polar, at codon 123 of the IL12RB2 protein (p.Ala123Val). This variant is present in population databases (rs758668666, gnomAD 0.009%). This variant has not been reported in the literature in individuals affected with IL12RB2-related conditions. ClinVar contains an entry for this variant (Variation ID: 1349475). An algorithm developed to predict the effect of missense changes on protein structure and function outputs the following: PolyPhen-2: "Benign". The valine amino acid residue is found in multiple mammalian species, which suggests that this missense change does not adversely affect protein function. In summary, the available evidence is currently insufficient to determine the role of this variant in disease. Therefore, it has been classified as a Variant of Uncertain Significance.